The following is an entry in ClinVar:

NM_000059.4(BRCA2):c.7435+5T>C

Gene: BRCA2 (BRCA2 DNA repair associated; plus strand). Cytogenetic location: 13q13.1.
Variant type: single nucleotide variant.
Coding change: c.7435+5T>C on transcript NM_000059.4 (MANE Select); 5 bases into the intron after coding-DNA position 7435, T replaced by C.
Molecular consequence: intron variant.
Genome position (GRCh38, 1-based): chr13:32,355,293, T>C. VCF-style: chr13-32355293-T-C. GRCh37 (hg19) VCF-style: chr13-32929430-T-C.
Identifiers: ClinVar variation 231148 (VCV000231148.21), dbSNP rs775973095, ClinGen allele CA10579737.

ClinVar aggregate classification (germline): Conflicting classifications of pathogenicity. Review status: criteria provided, conflicting classifications (1 of 4 stars). 5 submissions from 5 submitters: Uncertain significance (4); Likely benign (1). Last evaluated 2025-01-25.

Conditions:
Hereditary cancer-predisposing syndrome. Also called: Neoplastic Syndromes, Hereditary; Tumor predisposition; Hereditary Cancer Syndrome; Hereditary neoplastic syndrome. Identifiers: Orphanet 140162, MedGen C0027672, MeSH D009386, MONDO:0015356.
Breast and/or ovarian cancer. Identifiers: MedGen CN221562.
Hereditary breast ovarian cancer syndrome. Also called: Hereditary breast and ovarian cancer; Hereditary breast and ovarian cancer syndrome (HBOC); Breast and ovarian cancer; Hereditary breast and ovarian cancer syndrome; BRCA1- and BRCA2-Associated Hereditary Breast and Ovarian Cancer; Hereditary breast and/or ovarian cancer syndrome. Identifiers: Orphanet 145, MedGen C0677776, MeSH D061325, MONDO:0003582. Disease mechanism: loss of function.
Breast-ovarian cancer, familial, susceptibility to, 2 (BROVCA2). Also called: BRCA2 Hereditary Breast and Ovarian Cancer. Identifiers: Orphanet 145, MedGen C2675520, MONDO:0012933, OMIM 612555. Disease mechanism: loss of function.

gnomAD v4.1: 5 of 1,613,574 alleles (0.00031%); highest among the groups gnomAD compares: Non-Finnish European, 0.00042%; no homozygotes.

Submissions (5):

Ambry Genetics
Classification: Uncertain significance for Hereditary cancer-predisposing syndrome. Last evaluated: 2025-01-25. Review status: criteria provided, single submitter. Criteria: Ambry Variant Classification Scheme 2023. Collection method: clinical testing. Allele origin: germline.
Comment: The c.7435+5T>C intronic variant results from a T to C substitution 5 nucleotides after coding exon 13 in the BRCA2 gene. This nucleotide position is well conserved in available vertebrate species. In silico splice site analysis predicts that this alteration will not have any significant effect on splicing. Based on the available evidence, the clinical significance of this variant remains unclear.

Labcorp Genetics (formerly Invitae), Labcorp
Classification: Likely benign for Hereditary breast ovarian cancer syndrome. Last evaluated: 2022-08-23. Review status: criteria provided, single submitter. Criteria: Invitae Variant Classification Sherloc (09022015). Collection method: clinical testing. Allele origin: germline.

CHEO Genetics Diagnostic Laboratory, Children's Hospital of Eastern Ontario
Classification: Uncertain significance for Breast and/or ovarian cancer. Last evaluated: 2022-04-01. Review status: criteria provided, single submitter. Criteria: ACMG Guidelines, 2015. Collection method: clinical testing. Allele origin: germline.

Genetics and Molecular Pathology, SA Pathology
Classification: Uncertain significance for Breast-ovarian cancer, familial, susceptibility to, 2. Last evaluated: 2021-08-10. Review status: criteria provided, single submitter. Criteria: ACMG Guidelines, 2015. Collection method: clinical testing. Allele origin: germline. Affected: yes.

Quest Diagnostics Nichols Institute San Juan Capistrano
Classification: Uncertain significance for Breast-ovarian cancer, familial, susceptibility to, 2. Last evaluated: 2016-05-09. Review status: criteria provided, single submitter. Criteria: Quest Diagnostics criteria. Collection method: clinical testing. Allele origin: germline. Inheritance: Autosomal dominant inheritance.

Literature cited by the submitters: PubMed 20104584 (cited by Quest Diagnostics Nichols Institute San Juan Capistrano); PubMed 26295337 (cited by Quest Diagnostics Nichols Institute San Juan Capistrano).